The following is an entry in ClinVar:

ClinVar aggregate classification (germline): Uncertain significance (1 of 4 stars; one submission).

Submission:

GeneDx
Classification: Uncertain significance. Last evaluated: 2023-03-12. Review status: criteria provided, single submitter. Criteria: GeneDx Variant Classification Process June 2021. Collection method: clinical testing. Allele origin: germline. Affected: yes.
Comment: Not observed at significant frequency in large population cohorts (gnomAD); In silico analysis supports that this missense variant does not alter protein structure/function; Has not been previously published as pathogenic or benign to our knowledge; In silico analysis suggests this variant may impact gene splicing. In the absence of RNA/functional studies, the actual effect of this sequence change is unknown.

NM_001386298.1(CIC):c.4346C>T (p.Ala1449Val)

Gene: CIC (capicua transcriptional repressor; plus strand). Cytogenetic location: 19q13.2.
Variant type: single nucleotide variant.
Coding change: c.4346C>T on transcript NM_001386298.1 (MANE Select); coding-DNA position 4346, C replaced by T.
Protein change: p.Ala1449Val; replaces alanine 1449 with valine.
Molecular consequence: missense variant.
Genome position (GRCh38, 1-based): chr19:42,290,387, C>T. VCF-style: chr19-42290387-C-T. GRCh37 (hg19) VCF-style: chr19-42794539-C-T.
Other names: c.4346C>T, p.Ala1449Val (NM_001304815.2, NM_001379480.1, NM_001379482.1 and 1 more transcripts); c.1619C>T, p.Ala540Val (NM_001379484.1, NM_001379485.1, NM_015125.5); short protein forms A1449V, A540V.
Identifiers: ClinVar variation 2580012 (VCV002580012.1), dbSNP rs2513929623, ClinGen allele CA406104546.